The following is an entry in ClinVar:

ClinVar aggregate classification (germline): Likely benign (1 of 4 stars; one submission).

Allele frequency attached by ClinVar (database versions not stated): gnomAD exomes below 0.00001.
gnomAD v4.1: 2 of 1,614,122 alleles (0.00012%); highest among the groups gnomAD compares: South Asian, 0.0011%; no homozygotes.

Submission:

GeneDx
Classification: Likely benign. Last evaluated: 2018-01-02. Review status: criteria provided, single submitter. Criteria: GeneDx Variant Classification (06012015). Collection method: clinical testing. Allele origin: germline. Affected: yes.
Comment: This variant is considered likely benign or benign based on one or more of the following criteria: it is a conservative change, it occurs at a poorly conserved position in the protein, it is predicted to be benign by multiple in silico algorithms, and/or has population frequency not consistent with disease.

NM_005045.4(RELN):c.7179T>C (p.Tyr2393=)

Gene: RELN (reelin; minus strand). Cytogenetic location: 7q22.1.
Variant type: single nucleotide variant.
Coding change: c.7179T>C on transcript NM_005045.4 (MANE Select); coding-DNA position 7179, T replaced by C.
Protein change: p.Tyr2393=; no amino-acid change (tyrosine 2393 retained).
Molecular consequence: synonymous variant.
Genome position (GRCh38, 1-based): chr7:103,539,079, A>G on the plus strand (T>C on the coding strand, the complement: RELN is on the minus strand). VCF-style: chr7-103539079-A-G. GRCh37 (hg19) VCF-style: chr7-103179526-A-G.
Other names: c.7179T>C, p.Tyr2393= (NM_173054.3).
Identifiers: ClinVar variation 514054 (VCV000514054.1), dbSNP rs1174232635, ClinGen allele CA457197970.